The following is an entry in ClinVar:

ClinVar aggregate classification (germline): Conflicting classifications of pathogenicity. Review status: criteria provided, conflicting classifications (1 of 4 stars). 3 submissions from 3 submitters: Uncertain significance (1); Benign (1); Likely benign (1). Last evaluated 2025-04-22.

Conditions:
Hyperaldosteronism, familial, type IV (HALD4). Also called: FH IV; ALDOSTERONISM, PRIMARY, AND HYPERTENSION. Identifiers: Orphanet 642671, MedGen C4310756, MONDO:0014875, OMIM 617027.
Idiopathic generalized epilepsy. Also called: Generalised epilepsy; EIG. Identifiers: MedGen C0270850, MONDO:0005579, OMIM 600669.
Epilepsy, childhood absence, susceptibility to, 6. Identifiers: Orphanet 64280, MedGen C2749872, MONDO:0012763, OMIM 611942.

Allele frequency attached by ClinVar (database versions not stated): gnomAD exomes 0.00001 and 0.00007; TOPMed 0.00006; gnomAD 0.00007 and 0.00008; ExAC 0.00035.

Submissions (3):

GeneDx
Classification: Uncertain significance. Last evaluated: 2025-04-22. Review status: criteria provided, single submitter. Criteria: GeneDx Variant Classification Process June 2021. Collection method: clinical testing. Allele origin: germline. Affected: yes.
Comment: In silico analysis indicates that this missense variant does not alter protein structure/function; Has not been previously published as pathogenic or benign to our knowledge

Labcorp Genetics (formerly Invitae), Labcorp
Classification: Benign for Idiopathic generalized epilepsy; Hyperaldosteronism, familial, type IV. Last evaluated: 2024-05-22. Review status: criteria provided, single submitter. Criteria: Invitae Variant Classification Sherloc (09022015). Collection method: clinical testing. Allele origin: germline.

Fulgent Genetics
Classification: Likely benign for Epilepsy, childhood absence, susceptibility to, 6; Hyperaldosteronism, familial, type IV. Last evaluated: 2024-01-20. Review status: criteria provided, single submitter. Criteria: ACMG Guidelines, 2015. Collection method: clinical testing. Allele origin: germline.

NM_021098.3(CACNA1H):c.149C>T (p.Pro50Leu)

Gene: CACNA1H (calcium voltage-gated channel subunit alpha1 H; plus strand). Cytogenetic location: 16p13.3.
Variant type: single nucleotide variant.
Coding change: c.149C>T on transcript NM_021098.3 (MANE Select); coding-DNA position 149, C replaced by T.
Protein change: p.Pro50Leu; replaces proline 50 with leucine.
Molecular consequence: missense variant.
Genome position (GRCh38, 1-based): chr16:1,153,886, C>T. VCF-style: chr16-1153886-C-T. GRCh37 (hg19) VCF-style: chr16-1203886-C-T.
Other names: c.149C>T, p.Pro50Leu (NM_001005407.2); short protein forms P50L.
Identifiers: ClinVar variation 574192 (VCV000574192.12), dbSNP rs746716155, ClinGen allele CA7799306.
Genomic context (GRCh38, chr16:1,153,886, plus strand): 5'-CGGAGAGCCCCGGGGCGCCGGGACGCGAGGCGGAGCGGGGGTCCGAGCTCGGCGTGTCAC[C>T]CTCCGAGAGCCCGGCGGCCGAGCGCGGCGCGGAGCTGGGTGCCGACGAGGAGCAGCGCGT-3'
Protein context (NP_066921.2, residues 40-60): AERGSELGVS[Pro50Leu]SESPAAERGA